The following is an entry in ClinVar:

NM_000180.4(GUCY2D):c.564del (p.Ala189fs)

Gene: GUCY2D (guanylate cyclase 2D, retinal; plus strand). Cytogenetic location: 17p13.1.
Variant type: Deletion.
Coding change: c.564del on transcript NM_000180.4 (MANE Select); coding-DNA position 564, one base deleted (C; older notation c.564delC).
Protein change: p.Ala189fs; shifts the reading frame from alanine 189.
Molecular consequence: frameshift variant.
Genome position (GRCh38, 1-based): chr17:8,003,611, C deleted; the last of 2 consecutive C bases (chr17:8,003,610-8,003,611); deleting either gives the same sequence. VCF-style (leftmost placement, unchanged base first): chr17-8003609-AC-A. GRCh37 (hg19) VCF-style: chr17-7906927-AC-A.
Other names: short protein forms A189fs.
Identifiers: ClinVar variation 1076325 (VCV001076325.7), dbSNP rs2151799492, ClinGen allele CA2499224988.
Genomic context (GRCh38, chr17:8,003,609, plus strand): 5'-GCCGCGGATGCCCTCTACGCCCTGCTTCGCGCATTCGGCTGGGCGCGCGTGGCCCTGGTC[AC>A]CGCCCCCCAGGACCTGTGGGTGGAGGCGGGACGCTCACTGTCCACGGCACTCAGGGCCCG-3'

ClinVar aggregate classification (germline): Pathogenic (1 of 4 stars; one submission).

Conditions:
Cone-rod dystrophy 6 (CORD6). Also called: RETINAL CONE DYSTROPHY 2; Cone dystrophy progressive. Identifiers: Orphanet 1872, MedGen C1866293, MONDO:0011143, OMIM 601777.
Leber congenital amaurosis 1 (LCA1). Also called: Congenital absence of the rods and cones; Leber's congenital tapetoretinal degeneration; Leber's congenital tapetoretinal dysplasia; RETINAL BLINDNESS, CONGENITAL; AMAUROSIS CONGENITA OF LEBER I. Identifiers: Orphanet 65, MedGen C2931258, MONDO:0008764, OMIM 204000.

Submission:

Labcorp Genetics (formerly Invitae), Labcorp
Classification: Pathogenic for Leber congenital amaurosis 1; Cone-rod dystrophy 6. Last evaluated: 2023-07-07. Review status: criteria provided, single submitter. Criteria: Invitae Variant Classification Sherloc (09022015). Collection method: clinical testing. Allele origin: germline.
Comment: For these reasons, this variant has been classified as Pathogenic. ClinVar contains an entry for this variant (Variation ID: 1076325). This variant has not been reported in the literature in individuals affected with GUCY2D-related conditions. This variant is not present in population databases (gnomAD no frequency). This sequence change creates a premature translational stop signal (p.Ala189Profs*27) in the GUCY2D gene. It is expected to result in an absent or disrupted protein product. Loss-of-function variants in GUCY2D are known to be pathogenic (PMID: 10951519, 11328726).

Literature cited by the submitters: PubMed 10951519; PubMed 11328726.